The following continues an entry in ClinVar:

NM_001042492.3(NF1):c.4600C>T (p.Arg1534Ter)

Gene: NF1. ClinVar aggregate classification (germline): Pathogenic/Likely pathogenic. Pathogenic (37); Likely pathogenic (2). ClinVar aggregate classification (somatic clinical impact): Tier I - Strong. ClinVar aggregate classification (oncogenicity): Oncogenic.

Submissions 10 to 21 of 44:

Centro Nacional de Genética Medica, Administración Nacional de Laboratorios e Institutos de Salud (ANLIS) “Dr. Carlos G Malbrán”
Classification: Pathogenic for Neurofibromatosis, type 1. Last evaluated: 2025-06-02. Review status: criteria provided, single submitter. Criteria: ACMG Guidelines, 2015. Collection method: clinical testing. Allele origin: germline. Affected: yes. Observed: 2 variant alleles.
Comment: This substitution is predicted to result in a change of the amino acid arginine at position 1534, due to a premature translation termination codon (p.Arg1534*), a nonsense variant. This type of variant generally results in the deletion of messenger RNA through nonsense-mediated decay (NMD) (PMID: 16757948; PMID: 17352659). As a consequence of the variant found in the patient, there would be no translation and, therefore, a lack of protein from the allele carrying the variant. The gene is listed by ClinGen as haploinsufficient, and there is evidence that its loss of function is a mechanism of pathology. In 1991, a group reported a de novo nonsense variant (p.Arg365*) in exon 4 of NF1 in a patient with Neurofibromatosis type 1 (PMID: 1757093). In another, they reported a frameshift due to the insertion of a cytosine at position 5662, leading to the appearance of a premature translation stop codon in a patient with Neurofibromatosis type 1 (PMID: 1302608). 2 patients with a deletion of the NF1 gene, 12 patients with nonsense variants, 11 frameshift variants, and 8 splice site variants, all with the Neurofibromatosis type 1 (PVS1) phenotype were reported (PMID: 34427956). The variant was reported de novo without confirmed parentage in the literature: PMID: 9180088 and PMID: 30530636 found the variant in a patient with Neurofibromatosis type 1 and reported it as de novo (PM6_Strong). The variant has been reported in several studies of patients from unrelated families; PMID: 17551851 found the variant in a patient with Neurofibromatosis type 1. PMID: 23668869 reported the variant in two patients from two unrelated families with Neurofibromatosis type 1. PMID: 12112660 analyzed 108 Italian patients with clinical presentation of Neurofibromatosis type 1, and among the variants they found was the one identified in the patient in our cohort. PMID: 18484666 reported a patient with the variant found in this patient and clinical presentation of Neurofibromatosis type 1 (PS4_Moderate). The variant found is present at a very low frequency (1.8e-6) in population databases such as GnomAD, ExAc, and 1000 Genomes (PM2_Supporting). The patient's phenotype is consistent with Neurofibromatosis type 1 as previously described (PP4).

Genetics Laboratory, UDIAT-Centre Diagnòstic, Hospital Universitari Parc Tauli
Classification: Likely pathogenic for neurofibromatosis type 1. Last evaluated: 2024-12-16. Review status: criteria provided, single submitter. Criteria: ACMG Guidelines, 2015. Collection method: clinical testing. Allele origin: unknown. Inheritance: Autosomal dominant inheritance. Affected: yes.
Comment: PVS1_very strong;PS4_supporting

ARUP Laboratories, Molecular Genetics and Genomics, ARUP Laboratories
Classification: Pathogenic. Last evaluated: 2024-12-13. Review status: criteria provided, single submitter. Criteria: ARUP Molecular Germline Variant Investigation Process 2024. Collection method: clinical testing. Allele origin: germline.
Comment: The NF1 c.4600C>T; p.Arg1534Ter variant (rs760703505), also known as c.4537C>T; p.Arg1513Ter, is reported in the medical literature in several individuals affected with neurofibromatosis type 1 (Fahsold 2000, Hutter 2016, Jeong 2006, Ko 2013, Side 1997, Valero 2011). This variant is reported as pathogenic by multiple laboratories in ClinVar (Variation ID: 220152), and only observed on two alleles in the Genome Aggregation Database (v.2.1.1), indicating it is not a common polymorphism. This variant induces an early termination codon and is predicted to result in a truncated protein or mRNA subject to nonsense-mediated decay. Based on available information, this variant is considered to be pathogenic. References: Fahsold R et al. Minor lesion mutational spectrum of the entire NF1 gene does not explain its high mutability but points to a functional domain upstream of the GAP-related domain. Am J Hum Genet. 2000 Mar;66(3):790-818. PMID: 10712197. Hutter S et al. No correlation between NF1 mutation position and risk of optic pathway glioma in 77 unrelated NF1 patients. Hum Genet. 2016 May;135(5):469-75. PMID: 26969325. Jeong SY et al. The spectrum of NF1 mutations in Korean patients with neurofibromatosis type 1. J Korean Med Sci. 2006 Feb;21(1):107-12. PMID: 16479075. Ko JM et al. Mutation spectrum of NF1 and clinical characteristics in 78 Korean patients with neurofibromatosis type 1. Pediatr Neurol. 2013 Jun;48(6):447-53. PMID: 23668869. Side L et al. Homozygous inactivation of the NF1 gene in bone marrow cells from children with neurofibromatosis type 1 and malignant myeloid disorders. N Engl J Med. 1997 Jun 12;336(24):1713-20. PMID: 9180088. Valero MC et al. A highly sensitive genetic protocol to detect NF1 mutations. J Mol Diagn. 2011 Mar;13(2):113-22. PMID: 21354044.

NHS Central & South Genomic Laboratory Hub
Classification: Pathogenic for Neurofibromatosis type 1. Last evaluated: 2024-11-12. Review status: criteria provided, single submitter. Criteria: ACMG Guidelines, 2015. Collection method: clinical testing. Allele origin: germline. Affected: yes.

Dubai Health Genomic Medicine Center, Dubai Health
Classification: Pathogenic for Watson syndrome. Last evaluated: 2024-10-04. Review status: criteria provided, single submitter. Criteria: ACMG Guidelines, 2015. Collection method: research. Allele origin: germline. Affected: yes.
Comment: PVS1strong,PS4,PP4

Fulgent Genetics
Classification: Pathogenic for Neurofibromatosis, type 1; Neurofibromatosis, familial spinal; Café-au-lait macules with pulmonary stenosis; Neurofibromatosis-Noonan syndrome; Juvenile myelomonocytic leukemia. Last evaluated: 2024-06-20. Review status: criteria provided, single submitter. Criteria: ACMG Guidelines, 2015. Collection method: clinical testing. Allele origin: germline.

Blueprint Genetics
Classification: Pathogenic for NF1-related disorders. Last evaluated: 2024-05-31. Review status: criteria provided, single submitter. Criteria: ACMG Guidelines, 2015. Collection method: clinical testing. Allele origin: germline. Affected: yes. Observed: 5 variant alleles.

Division of Genetic & Genomic Pathology, Hong Kong Children's Hospital
Classification: Pathogenic for Neurofibromatosis, type 1. Last evaluated: 2024-04-09. Review status: criteria provided, single submitter. Criteria: ACMG Guidelines, 2015. Collection method: clinical testing. Allele origin: germline. Affected: yes.
Comment: The nonsense variant c.4537C>T in the NF1 gene creates a premature stop codon resulting in exon 34 (out of 57 exons), and is predicted to result in loss of protein function by nonsense-mediated mRNA decay. The variant is present at a very low frequency from control populations (gnomAD v2.1.1: total 2 in 251346 alleles; and gnomAD v4.0.0: total 3 in 1611954 alleles), and has been reported in multiple patients with neurofibromatosis (PMID: 30308447, 33344560 and ClinVar: VCV000220152.70). Multiple downstream pathogenic nonsense NF1 variants have been reported. For these reasons, this variant is classified as pathogenic.

Quest Diagnostics Nichols Institute San Juan Capistrano
Classification: Pathogenic. Last evaluated: 2024-01-24. Review status: criteria provided, single submitter. Criteria: Quest Diagnostics criteria. Collection method: clinical testing. Allele origin: unknown.
Comment: The NF1 c.4537C>T (p.Arg1513*) variant causes the premature termination of NF1 protein synthesis. This variant has been reported in the published literature in individuals with neurofibromatosis 1 (NF1) (PMIDs: 34427956 (2022), 31533651 (2019), 26969325 (2016), 17914445 (2008), 17209131 (2007), 14722917 (2004)), leukemia (PMID: 9180088 (1997)), and breast cancer (PMID: 30530636 (2019)). The frequency of this variant in the general population, 0.000008 (2/251346 chromosomes (Genome Aggregation Database)), is consistent with pathogenicity. Based on the available information, this variant is classified as pathogenic.

Clinical Genomics Laboratory, Washington University in St. Louis
Classification: Pathogenic for Neurofibromatosis, type 1. Last evaluated: 2023-07-27. Review status: criteria provided, single submitter. Criteria: ACMG Guidelines, 2015. Collection method: clinical testing. Allele origin: somatic. Affected: yes.
Comment: The NF1 c.4600C>T (p.Arg1534Ter) variant, also published as NF1 c.4537C>T, was identified at an allelic fraction consistent with somatic origin. This variant has been reported in numerous individuals affected with neurofibromatosis type 1 (Chai et al., PMID 31533651; Ko et al., PMID: 23668869; Yao et al., PMID 31717729; Giuliano et al, PMID 31370276). NF1 c.4600C>T (p.Arg1534Ter) has been reported in the ClinVar database as pathogenic/likely pathogenic by 22 submitters (ClinVar ID 220152). This variant is only observed on 1/152116 alleles in the general population (gnomAD v.2.1.1), indicating it is not a common variant. This variant leads to a premature termination codon, which is predicted to result in nonsense mediated decay and loss of function is the known disease mechanism. Based on an internally-developed protocol informed by the ACMG/AMP guidelines (Richards S et al., PMID: 25741868) and and gene-specific practices from the ClinGen Criteria Specification Registry, the NF1 c.4600C>T (p.Arg1534Ter) variant is classified as pathogenic.

Division of Human Genetics, National Health Laboratory Service/University of the Witwatersrand
Classification: Pathogenic for Neurofibromatosis, type 1. Last evaluated: 2023-07-01. Review status: criteria provided, single submitter. Criteria: ACMG Guidelines, 2015. Collection method: research. Allele origin: germline. Affected: yes.

Institute of Medical Genetics and Applied Genomics, University Hospital Tübingen
Classification: Pathogenic for Neurofibromatosis, type 1. Last evaluated: 2023-04-25. Review status: criteria provided, single submitter. Criteria: ACMG Guidelines, 2015. Collection method: clinical testing. Allele origin: germline. Inheritance: Autosomal dominant inheritance. Affected: yes.